The following is an entry in ClinVar:

ClinVar aggregate classification (germline): Conflicting classifications of pathogenicity. Review status: criteria provided, conflicting classifications (1 of 4 stars). 6 submissions from 6 submitters: Uncertain significance (5); Benign (1). Last evaluated 2026-03-31.

Conditions:
Inborn genetic diseases. Identifiers: MedGen C0950123, MeSH D030342.

Allele frequency attached by ClinVar (database versions not stated): ExAC 0.00010; gnomAD 0.00023 and 0.00028; TOPMed 0.00025.
gnomAD v4.1: 69 of 1,508,774 alleles (0.0046%); highest among the groups gnomAD compares: African/African-American, 0.082%; no homozygotes.

Submissions (6):

Ambry Genetics
Classification: Uncertain significance for Inborn genetic diseases. Last evaluated: 2026-03-31. Review status: criteria provided, single submitter. Criteria: Ambry Variant Classification Scheme 2023. Collection method: clinical testing. Allele origin: germline.

GeneDx
Classification: Uncertain significance. Last evaluated: 2025-12-04. Review status: criteria provided, single submitter. Criteria: GeneDx Variant Classification Process June 2021. Collection method: clinical testing. Allele origin: germline. Affected: yes.
Comment: In silico analysis suggests that this missense variant does not alter protein structure/function; Has not been previously published as pathogenic or benign to our knowledge

Labcorp Genetics (formerly Invitae), Labcorp
Classification: Benign. Last evaluated: 2025-09-15. Review status: criteria provided, single submitter. Criteria: Invitae Variant Classification Sherloc (09022015). Collection method: clinical testing. Allele origin: germline.

CeGaT Center for Human Genetics Tuebingen
Classification: Uncertain significance. Last evaluated: 2025-01-01. Review status: criteria provided, single submitter. Criteria: CeGaT Center For Human Genetics Tuebingen Variant Classification Criteria Version 2. Collection method: clinical testing. Allele origin: germline. Affected: yes. Observed: 1 variant allele.
Comment: MYO15A: PM2

Blueprint Genetics
Classification: Uncertain significance. Last evaluated: 2024-04-11. Review status: criteria provided, single submitter. Criteria: ACMG Guidelines, 2015. Collection method: clinical testing. Allele origin: germline.

Eurofins Ntd Llc (ga)
Classification: Uncertain significance. Last evaluated: 2014-12-10. Review status: criteria provided, single submitter. Criteria: EGL Classification Definitions 2015. Collection method: clinical testing. Allele origin: germline. Observed: 1 variant allele, 1 heterozygote.

NM_016239.4(MYO15A):c.2225G>T (p.Arg742Leu)

Gene: MYO15A (myosin XVA; plus strand). Cytogenetic location: 17p11.2.
Variant type: single nucleotide variant.
Coding change: c.2225G>T on transcript NM_016239.4 (MANE Select); coding-DNA position 2225, G replaced by T.
Protein change: p.Arg742Leu; replaces arginine 742 with leucine.
Molecular consequence: missense variant.
Genome position (GRCh38, 1-based): chr17:18,121,025, G>T. VCF-style: chr17-18121025-G-T. GRCh37 (hg19) VCF-style: chr17-18024339-G-T.
Other names: c.2225G>T (NM_016239.3); short protein forms R742L.
Identifiers: ClinVar variation 195314 (VCV000195314.28), dbSNP rs772776336, ClinGen allele CA241688.